The following is an entry in ClinVar:

NM_004656.4(BAP1):c.215T>C (p.Ile72Thr)

Gene: BAP1 (BRCA1 associated deubiquitinase 1; minus strand). Cytogenetic location: 3p21.1.
Variant type: single nucleotide variant.
Coding change: c.215T>C on transcript NM_004656.4 (MANE Select); coding-DNA position 215, T replaced by C.
Protein change: p.Ile72Thr; replaces isoleucine 72 with threonine.
Molecular consequence: missense variant.
Genome position (GRCh38, 1-based): chr3:52,408,514, A>G on the plus strand (T>C on the coding strand, the complement: BAP1 is on the minus strand). VCF-style: chr3-52408514-A-G. GRCh37 (hg19) VCF-style: chr3-52442530-A-G.
Other names: c.215T>C, p.Ile72Thr (NM_001410772.1); short protein forms I72T.
Identifiers: ClinVar variation 1786888 (VCV001786888.2), dbSNP rs2153228303, ClinGen allele CA353113174.
Genomic context (GRCh38, chr3:52,408,514, plus strand): 5'-AAGCACAGAGTCCAGCAGACCTGGTGGGCAAAGAACATGTTATTCACAATATCATCATCA[A>G]TCACGGACGTATCATCCACCAAGGTAGAGACCTTTCGCCGGGACCGGCGCTCTTCGATCC-3'
Protein context (NP_004647.1, residues 62-82): VSTLVDDTSV[Ile72Thr]DDDIVNNMFF

ClinVar aggregate classification (germline): Uncertain significance (1 of 4 stars; one submission).

Conditions:
Hereditary cancer-predisposing syndrome. Also called: Neoplastic Syndromes, Hereditary; Tumor predisposition; Hereditary Cancer Syndrome; Hereditary neoplastic syndrome. Identifiers: Orphanet 140162, MedGen C0027672, MeSH D009386, MONDO:0015356.

Allele frequency attached by ClinVar (database versions not stated): gnomAD exomes below 0.00001.
gnomAD v4.1: 1 of 1,612,314 alleles (0.000062%); highest among the groups gnomAD compares: Non-Finnish European, 0.000085%; no homozygotes.

Submission:

Ambry Genetics
Classification: Uncertain significance for Hereditary cancer-predisposing syndrome. Last evaluated: 2022-05-23. Review status: criteria provided, single submitter. Criteria: Ambry Variant Classification Scheme 2023. Collection method: clinical testing. Allele origin: germline.
Comment: The p.I72T variant (also known as c.215T>C), located in coding exon 4 of the BAP1 gene, results from a T to C substitution at nucleotide position 215. The isoleucine at codon 72 is replaced by threonine, an amino acid with similar properties. This amino acid position is highly conserved in available vertebrate species. In addition, the in silico prediction for this alteration is inconclusive. Since supporting evidence is limited at this time, the clinical significance of this alteration remains unclear.